The following is an entry in ClinVar:

NM_005732.4(RAD50):c.552-9T>A

Gene: RAD50 (RAD50 double strand break repair protein; plus strand). Cytogenetic location: 5q31.1.
Variant type: single nucleotide variant.
Coding change: c.552-9T>A on transcript NM_005732.4 (MANE Select); 9 bases into the intron before coding-DNA position 552, T replaced by A.
Molecular consequence: intron variant.
Genome position (GRCh38, 1-based): chr5:132,579,853, T>A. VCF-style: chr5-132579853-T-A. GRCh37 (hg19) VCF-style: chr5-131915545-T-A.
Identifiers: ClinVar variation 2829347 (VCV002829347.3), dbSNP rs2479617125, ClinGen allele CA2675216505.
Genomic context (GRCh38, chr5:132,579,853, plus strand): 5'-TCCCACTGTATGAATATATACCATAATTTACTTTGCCAGAAATTTGATTTTTGTTTCATA[T>A]CTTCAAAGATACATTAAAGCCTTAGAAACACTTCGGCAGGTACGTCAGACACAAGGTCAG-3'

ClinVar aggregate classification (germline): Uncertain significance (1 of 4 stars; one submission).

Conditions:
Hereditary cancer-predisposing syndrome. Also called: Neoplastic Syndromes, Hereditary; Tumor predisposition; Hereditary Cancer Syndrome; Hereditary neoplastic syndrome. Identifiers: Orphanet 140162, MedGen C0027672, MeSH D009386, MONDO:0015356.

Allele frequency attached by ClinVar (database versions not stated): gnomAD exomes below 0.00001.
gnomAD v4.1: 1 of 1,602,496 alleles (0.000062%); highest among the groups gnomAD compares: Non-Finnish European, 0.000085%; no homozygotes.

Submission:

Labcorp Genetics (formerly Invitae), Labcorp
Classification: Uncertain significance for Hereditary cancer-predisposing syndrome. Last evaluated: 2023-01-16. Review status: criteria provided, single submitter. Criteria: Invitae Variant Classification Sherloc (09022015). Collection method: clinical testing. Allele origin: germline.
Comment: In summary, the available evidence is currently insufficient to determine the role of this variant in disease. Therefore, it has been classified as a Variant of Uncertain Significance. Algorithms developed to predict the effect of sequence changes on RNA splicing suggest that this variant may disrupt the consensus splice site. This variant has not been reported in the literature in individuals affected with RAD50-related conditions. This variant is not present in population databases (gnomAD no frequency). This sequence change falls in intron 4 of the RAD50 gene. It does not directly change the encoded amino acid sequence of the RAD50 protein.